The following is an entry in ClinVar:

NM_012431.3(SEMA3E):c.1814G>A (p.Arg605Gln)

Gene: SEMA3E (semaphorin 3E; minus strand). Cytogenetic location: 7q21.11.
Variant type: single nucleotide variant.
Coding change: c.1814G>A on transcript NM_012431.3 (MANE Select); coding-DNA position 1814, G replaced by A.
Protein change: p.Arg605Gln; replaces arginine 605 with glutamine.
Molecular consequence: missense variant.
Genome position (GRCh38, 1-based): chr7:83,385,355, C>T on the plus strand (G>A on the coding strand, the complement: SEMA3E is on the minus strand). VCF-style: chr7-83385355-C-T. GRCh37 (hg19) VCF-style: chr7-83014671-C-T.
Other names: c.1634G>A, p.Arg545Gln (NM_001178129.2); c.1814G>A (NM_012431.2); short protein forms R545Q, R605Q.
Identifiers: ClinVar variation 2730274 (VCV002730274.5), dbSNP rs145707650, ClinGen allele CA4321893.

ClinVar aggregate classification (germline): Uncertain significance. Review status: criteria provided, multiple submitters, no conflicts (2 of 4 stars). 3 submissions from 3 submitters: Uncertain significance (3). Last evaluated 2026-07-13.

Conditions:
SEMA3E-related disorder. Also called: SEMA3E-related condition.
Hypogonadotropic hypogonadism 7 with or without anosmia (HH7). Also called: GNRHR-Related GnRH Deficiency; HYPOGONADOTROPIC HYPOGONADISM 7 WITHOUT ANOSMIA. Identifiers: Orphanet 432, MedGen C0342384, MONDO:0007794, OMIM 146110.
CHARGE syndrome (CHARGE). Also called: Hittner Hirsch Kreh syndrome; CHARGE ASSOCIATION--COLOBOMA, HEART ANOMALY, CHOANAL ATRESIA, RETARDATION, GENITAL AND EAR ANOMALIES; Coloboma, heart anomaly, choanal atresia, retardation, genital and ear anomalies; CHARGE association; Hall-Hittner syndrome. Identifiers: Orphanet 138, MedGen C0265354, MONDO:0008965.

gnomAD v4.1: 55 of 1,613,368 alleles (0.0034%); highest among the groups gnomAD compares: Non-Finnish European, 0.0043%; no homozygotes.

Submissions (3):

PreventionGenetics, part of Exact Sciences
Classification: Uncertain significance for SEMA3E-related condition. Last evaluated: 2026-07-13. Review status: criteria provided, single submitter. Criteria: ACMG Guidelines, 2015. Collection method: clinical testing. Allele origin: germline.
Comment: The SEMA3E c.1814G>A variant is predicted to result in the amino acid substitution p.Arg605Gln. To our knowledge, this variant has not been reported in the literature. This variant is reported in 0.0062% of alleles in individuals of European (Non-Finnish) descent in gnomAD. At this time, the clinical significance of this variant is uncertain due to the absence of conclusive functional and genetic evidence.

Labcorp Genetics (formerly Invitae), Labcorp
Classification: Uncertain significance for CHARGE syndrome. Last evaluated: 2025-11-08. Review status: criteria provided, single submitter. Criteria: Invitae Variant Classification Sherloc (09022015). Collection method: clinical testing. Allele origin: germline.
Comment: This sequence change replaces arginine, which is basic and polar, with glutamine, which is neutral and polar, at codon 605 of the SEMA3E protein (p.Arg605Gln). This variant is present in population databases (rs145707650, gnomAD 0.006%). This variant has not been reported in the literature in individuals affected with SEMA3E-related conditions. ClinVar contains an entry for this variant (Variation ID: 2730274). Invitae Evidence Modeling of protein sequence and biophysical properties (such as structural, functional, and spatial information, amino acid conservation, physicochemical variation, residue mobility, and thermodynamic stability) indicates that this missense variant is not expected to disrupt SEMA3E protein function with a negative predictive value of 80%. In summary, the available evidence is currently insufficient to determine the role of this variant in disease. Therefore, it has been classified as a Variant of Uncertain Significance.

Department of Pathology and Laboratory Medicine, Sinai Health System
Classification: Uncertain significance for Hypogonadotropic hypogonadism 7 with or without anosmia. Last evaluated: 2021-07-30. Review status: criteria provided, single submitter. Criteria: ACMG Guidelines, 2015. Collection method: research. Allele origin: germline.